The following is an entry in ClinVar:

ClinVar aggregate classification (germline): Uncertain significance. Review status: criteria provided, multiple submitters, no conflicts (2 of 4 stars). 2 submissions from 2 submitters: Uncertain significance (2). Last evaluated 2026-07-07.

Conditions:
Oligodontia-cancer predisposition syndrome. Also called: TOOTH AGENESIS-COLORECTAL CANCER SYNDROME. Identifiers: Orphanet 300576, MedGen C1837750, MONDO:0012075, OMIM 608615. Disease mechanism: loss of function.
Hereditary cancer-predisposing syndrome. Also called: Tumor predisposition; Hereditary Cancer Syndrome; Hereditary neoplastic syndrome; Neoplastic Syndromes, Hereditary. Identifiers: Orphanet 140162, MedGen C0027672, MeSH D009386, MONDO:0015356.

Allele frequency attached by ClinVar (database versions not stated): gnomAD exomes below 0.00001.

Submissions (2):

Ambry Genetics
Classification: Uncertain significance for Hereditary cancer-predisposing syndrome. Last evaluated: 2026-07-07. Review status: criteria provided, single submitter. Criteria: Ambry Variant Classification Scheme 2023. Collection method: clinical testing. Allele origin: germline.
Comment: The p.S211N variant (also known as c.632G>A), located in coding exon 1 of the AXIN2 gene, results from a G to A substitution at nucleotide position 632. The serine at codon 211 is replaced by asparagine, an amino acid with highly similar properties. This amino acid position is conserved. In addition, this alteration is predicted to be tolerated by in silico analysis. Based on the available evidence, the clinical significance of this variant remains unclear.

Labcorp Genetics (formerly Invitae), Labcorp
Classification: Uncertain significance for Oligodontia-cancer predisposition syndrome. Last evaluated: 2025-11-10. Review status: criteria provided, single submitter. Criteria: Invitae Variant Classification Sherloc (09022015). Collection method: clinical testing. Allele origin: germline.
Comment: This sequence change replaces serine, which is neutral and polar, with asparagine, which is neutral and polar, at codon 211 of the AXIN2 protein (p.Ser211Asn). This variant is present in population databases (no rsID available, gnomAD 0.0009%). This variant has not been reported in the literature in individuals affected with AXIN2-related conditions. ClinVar contains an entry for this variant (Variation ID: 1036766). Invitae Evidence Modeling of protein sequence and biophysical properties (such as structural, functional, and spatial information, amino acid conservation, physicochemical variation, residue mobility, and thermodynamic stability) indicates that this missense variant is not expected to disrupt AXIN2 protein function with a negative predictive value of 80%. In summary, the available evidence is currently insufficient to determine the role of this variant in disease. Therefore, it has been classified as a Variant of Uncertain Significance.

NM_004655.4(AXIN2):c.632G>A (p.Ser211Asn)

Gene: AXIN2 (axin 2; minus strand). Cytogenetic location: 17q24.1.
Variant type: single nucleotide variant.
Coding change: c.632G>A on transcript NM_004655.4 (MANE Select); coding-DNA position 632, G replaced by A.
Protein change: p.Ser211Asn; replaces serine 211 with asparagine.
Molecular consequence: missense variant.
Genome position (GRCh38, 1-based): chr17:65,557,989, C>T on the plus strand (G>A on the coding strand, the complement: AXIN2 is on the minus strand). VCF-style: chr17-65557989-C-T. GRCh37 (hg19) VCF-style: chr17-63554107-C-T.
Other names: c.632G>A (NM_004655.3); c.632G>A, p.Ser211Asn (NM_001363813.1); short protein forms S211N.
Identifiers: ClinVar variation 1036766 (VCV001036766.7), dbSNP rs201399449, ClinGen allele CA400680607.